The following is an entry in ClinVar:

ClinVar aggregate classification (germline): Uncertain significance. Review status: criteria provided, multiple submitters, no conflicts (2 of 4 stars). 3 submissions from 3 submitters: Uncertain significance (3). Last evaluated 2025-09-10.

Conditions:
Cardiomyopathy (CMYO). Also called: Cardiomyopathies. Identifiers: Orphanet 167848, MedGen C0878544, MONDO:0004994, HP:0001638. Inheritance: Various modes of inheritance.
Hypertrophic cardiomyopathy. Also called: HYPERTROPHIC MYOCARDIOPATHY. Identifiers: Orphanet 217569, MedGen C0007194, MeSH D002312, MONDO:0005045, HP:0001639.

Allele frequency attached by ClinVar (database versions not stated): ExAC 0.00001; gnomAD 0.00001; gnomAD exomes below 0.00001; TOPMed 0.00001.
gnomAD v4.1: 3 of 1,613,634 alleles (0.00019%); highest among the groups gnomAD compares: Non-Finnish European, 0.00025%; no homozygotes.

Submissions (3):

Labcorp Genetics (formerly Invitae), Labcorp
Classification: Uncertain significance for Hypertrophic cardiomyopathy. Last evaluated: 2025-09-10. Review status: criteria provided, single submitter. Criteria: Invitae Variant Classification Sherloc (09022015). Collection method: clinical testing. Allele origin: germline.
Comment: This sequence change replaces asparagine, which is neutral and polar, with threonine, which is neutral and polar, at codon 1234 of the MYH7 protein (p.Asn1234Thr). This variant is not present in population databases (gnomAD no frequency). This missense change has been observed in individual(s) with hypertrophic cardiomyopathy (PMID: 27247418). ClinVar contains an entry for this variant (Variation ID: 919999). Invitae Evidence Modeling of protein sequence and biophysical properties (such as structural, functional, and spatial information, amino acid conservation, physicochemical variation, residue mobility, and thermodynamic stability) indicates that this missense variant is expected to disrupt MYH7 protein function with a positive predictive value of 95%. In summary, the available evidence is currently insufficient to determine the role of this variant in disease. Therefore, it has been classified as a Variant of Uncertain Significance.

Color Diagnostics, LLC DBA Color Health
Classification: Uncertain significance for Cardiomyopathy. Last evaluated: 2025-07-03. Review status: criteria provided, single submitter. Criteria: ACMG Guidelines, 2015. Collection method: clinical testing. Allele origin: germline.
Comment: This missense variant replaces asparagine with threonine at codon 1234 of the MYH7 protein. Computational prediction is inconclusive regarding the impact of this variant on protein structure and function. To our knowledge, functional studies have not been reported for this variant. This variant has been reported in an individual affected with hypertrophic cardiomyopathy (PMID: 30297972). This variant has not been identified in the general population by the Genome Aggregation Database (gnomAD). The available evidence is insufficient to determine the role of this variant in disease conclusively. Therefore, this variant is classified as a Variant of Uncertain Significance.

Revvity Omics, Revvity
Classification: Uncertain significance. Last evaluated: 2025-05-21. Review status: criteria provided, single submitter. Criteria: ACMG Guidelines, 2015. Collection method: clinical testing. Allele origin: germline.

Literature cited by the submitters: PubMed 27247418 (cited by Labcorp Genetics (formerly Invitae), Labcorp); PubMed 30297972 (cited by Color Diagnostics, LLC DBA Color Health).

NM_000257.4(MYH7):c.3701A>C (p.Asn1234Thr)

Gene: MYH7 (myosin heavy chain 7; minus strand). Cytogenetic location: 14q11.2.
Variant type: single nucleotide variant.
Coding change: c.3701A>C on transcript NM_000257.4 (MANE Select); coding-DNA position 3701, A replaced by C.
Protein change: p.Asn1234Thr; replaces asparagine 1234 with threonine.
Molecular consequence: missense variant.
Genome position (GRCh38, 1-based): chr14:23,419,870, T>G on the plus strand (A>C on the coding strand, the complement: MYH7 is on the minus strand). VCF-style: chr14-23419870-T-G. GRCh37 (hg19) VCF-style: chr14-23889079-T-G.
Other names: short protein forms N1234T.
Identifiers: ClinVar variation 919999 (VCV000919999.10), dbSNP rs745970387, ClinGen allele CA038322.